The following is an entry in ClinVar:

NM_020800.3(IFT80):c.619G>A (p.Gly207Ser)

Genes: IFT80 (intraflagellar transport 80; minus strand), TRIM59-IFT80 (TRIM59-IFT80 readthrough (NMD candidate); minus strand). Cytogenetic location: 3q25.33.
Variant type: single nucleotide variant.
Coding change: c.619G>A on transcript NM_020800.3 (MANE Select); coding-DNA position 619, G replaced by A.
Protein change: p.Gly207Ser; replaces glycine 207 with serine.
Molecular consequence: missense variant. On other transcripts: non-coding transcript variant (3).
Genome position (GRCh38, 1-based): chr3:160,357,509, C>T on the plus strand (G>A on the coding strand, the complement: IFT80 is on the minus strand). VCF-style: chr3-160357509-C-T. GRCh37 (hg19) VCF-style: chr3-160075297-C-T.
Other names: c.208G>A, p.Gly70Ser (NM_001190241.2, NM_001190242.2); short protein forms G70S, G207S.
Identifiers: ClinVar variation 1441720 (VCV001441720.8), dbSNP rs756838676, ClinGen allele CA2685427.

ClinVar aggregate classification (germline): Uncertain significance (1 of 4 stars; one submission).

Conditions:
Jeune thoracic dystrophy. Also called: Jeune syndrome; Infantile thoracic dystrophy; Thoracic pelvic phalangeal dystrophy; Jeune's syndrome; Chondroectodermal dysplasia-like syndrome; Short-rib thoracic dysplasia. Identifiers: Orphanet 474, MedGen C0265275, MONDO:0018770.

Allele frequency attached by ClinVar (database versions not stated): TOPMed below 0.00001; gnomAD 0.00001.
gnomAD v4.1: 19 of 1,569,590 alleles (0.0012%); highest among the groups gnomAD compares: South Asian, 0.02%; no homozygotes.

Submission:

Labcorp Genetics (formerly Invitae), Labcorp
Classification: Uncertain significance for Jeune thoracic dystrophy. Last evaluated: 2022-07-25. Review status: criteria provided, single submitter. Criteria: Invitae Variant Classification Sherloc (09022015). Collection method: clinical testing. Allele origin: germline.
Comment: Algorithms developed to predict the effect of sequence changes on RNA splicing suggest that this variant may create or strengthen a splice site. Algorithms developed to predict the effect of missense changes on protein structure and function are either unavailable or do not agree on the potential impact of this missense change (SIFT: "Deleterious"; PolyPhen-2: "Benign"; Align-GVGD: "Class C55"). ClinVar contains an entry for this variant (Variation ID: 1441720). This variant has not been reported in the literature in individuals affected with IFT80-related conditions. This variant is present in population databases (rs756838676, gnomAD 0.03%). This sequence change replaces glycine, which is neutral and non-polar, with serine, which is neutral and polar, at codon 207 of the IFT80 protein (p.Gly207Ser). In summary, the available evidence is currently insufficient to determine the role of this variant in disease. Therefore, it has been classified as a Variant of Uncertain Significance.